The following is an entry in ClinVar:

ClinVar aggregate classification (germline): Uncertain significance. Review status: criteria provided, multiple submitters, no conflicts (2 of 4 stars). 2 submissions from 2 submitters: Uncertain significance (2). Last evaluated 2025-06-12.

Allele frequency attached by ClinVar (database versions not stated): 1000 Genomes Project 30x 0.00016; 1000 Genomes Project 0.00020; gnomAD exomes 0.00006; gnomAD 0.00035; TOPMed 0.00043; ESP Exome Variant Server 0.00046; ExAC 0.00016.
gnomAD v4.1: 133 of 1,613,866 alleles (0.0082%); highest among the groups gnomAD compares: African/African-American, 0.13%; 1 homozygote.

Submissions (2):

Labcorp Genetics (formerly Invitae), Labcorp
Classification: Uncertain significance. Last evaluated: 2025-06-12. Review status: criteria provided, single submitter. Criteria: Invitae Variant Classification Sherloc (09022015). Collection method: clinical testing. Allele origin: germline.
Comment: This sequence change replaces arginine, which is basic and polar, with glutamine, which is neutral and polar, at codon 1363 of the TNS2 protein (p.Arg1363Gln). This variant is present in population databases (rs146077357, gnomAD 0.1%), and has an allele count higher than expected for a pathogenic variant. This variant has not been reported in the literature in individuals affected with TNS2-related conditions. ClinVar contains an entry for this variant (Variation ID: 2719042). An algorithm developed to predict the effect of missense changes on protein structure and function (PolyPhen-2) suggests that this variant is likely to be tolerated. In summary, the available evidence is currently insufficient to determine the role of this variant in disease. Therefore, it has been classified as a Variant of Uncertain Significance.

Ambry Genetics
Classification: Uncertain significance. Last evaluated: 2024-03-25. Review status: criteria provided, single submitter. Criteria: Ambry Variant Classification Scheme 2023. Collection method: clinical testing. Allele origin: germline.

NM_170754.4(TNS2):c.4058G>A (p.Arg1353Gln)

Gene: TNS2 (tensin 2; plus strand). Cytogenetic location: 12q13.13.
Variant type: single nucleotide variant.
Coding change: c.4058G>A on transcript NM_170754.4 (MANE Select); coding-DNA position 4058, G replaced by A.
Protein change: p.Arg1353Gln; replaces arginine 1353 with glutamine.
Molecular consequence: missense variant.
Genome position (GRCh38, 1-based): chr12:53,063,414, G>A. VCF-style: chr12-53063414-G-A. GRCh37 (hg19) VCF-style: chr12-53457198-G-A.
Other names: c.4088G>A (NM_015319.2); c.4058G>A, p.Arg1353Gln (NM_001416202.1); c.4016G>A, p.Arg1339Gln (NM_001416203.1); c.4085G>A, p.Arg1362Gln (NM_001416204.1); c.3989G>A, p.Arg1330Gln (NM_015319.3); c.3686G>A, p.Arg1229Gln (NM_198316.2); short protein forms R1229Q, R1330Q, R1339Q, R1353Q, R1362Q.
Identifiers: ClinVar variation 2719042 (VCV002719042.4), dbSNP rs146077357, ClinGen allele CA6593064.